The following is an entry in ClinVar:

ClinVar aggregate classification (germline): Benign. Review status: criteria provided, multiple submitters, no conflicts (2 of 4 stars). 2 submissions from 2 submitters: Benign (2). Last evaluated 2018-01-13.

Conditions:
Immunodeficiency 67. Also called: Immunodeficiency due to interleukin-1 receptor-associated kinase-4 deficiency. Identifiers: Orphanet 70592, MedGen C1843256, MONDO:0011888, OMIM 607676.

Allele frequency attached by ClinVar (database versions not stated): 1000 Genomes Project 0.03994; 1000 Genomes Project 30x 0.04029; gnomAD 0.05478 and 0.05672; TOPMed 0.05853.

Submissions (2):

Illumina Laboratory Services, Illumina
Classification: Benign for Immunodeficiency 67. Last evaluated: 2018-01-13. Review status: criteria provided, single submitter. Criteria: ICSL Variant Classification Criteria 13 December 2019. Collection method: clinical testing. Allele origin: germline.
Comment: This variant was observed in the ICSL laboratory as part of a predisposition screen in an ostensibly healthy population. It had not been previously curated by ICSL or reported in the Human Gene Mutation Database (HGMD: prior to June 1st, 2018), and was therefore a candidate for classification through an automated scoring system. Utilizing variant allele frequency, disease prevalence and penetrance estimates, and inheritance mode, an automated score was calculated to assess if this variant is too frequent to cause the disease. Based on the score and internal cut-off values, a variant classified as benign is not then subjected to further curation. The score for this variant resulted in a classification of benign for this disease.

Breakthrough Genomics
Classification: Benign. Review status: criteria provided, single submitter. Criteria: ACMG Guidelines, 2015. Collection method: not provided. Allele origin: germline. Inheritance: Autosomal recessive inheritance. Affected: yes.

NM_016123.4(IRAK4):c.*1887C>T

Gene: IRAK4 (interleukin 1 receptor associated kinase 4; plus strand). Cytogenetic location: 12q12.
Variant type: single nucleotide variant.
Coding change: c.*1887C>T on transcript NM_016123.4 (MANE Select); 1887 bases downstream of the stop codon, C replaced by T.
Molecular consequence: 3 prime UTR variant.
Genome position (GRCh38, 1-based): chr12:43,788,602, C>T. VCF-style: chr12-43788602-C-T. GRCh37 (hg19) VCF-style: chr12-44182405-C-T.
Other names: c.*1887C>T (NM_001114182.3, NM_001145256.2, NM_001145257.2 and 9 more transcripts).
Identifiers: ClinVar variation 308755 (VCV000308755.6), dbSNP rs4251556, ClinGen allele CA10642256.